The following is an entry in ClinVar:

NM_004408.4(DNM1):c.1186C>T (p.His396Tyr)

Gene: DNM1 (dynamin 1; plus strand). Cytogenetic location: 9q34.11.
Variant type: single nucleotide variant.
Coding change: c.1186C>T on transcript NM_004408.4 (MANE Select); coding-DNA position 1186, C replaced by T.
Protein change: p.His396Tyr; replaces histidine 396 with tyrosine.
Molecular consequence: missense variant.
Genome position (GRCh38, 1-based): chr9:128,222,850, C>T. VCF-style: chr9-128222850-C-T. GRCh37 (hg19) VCF-style: chr9-130985129-C-T.
Other names: c.1186C>T, p.His396Tyr (NM_001005336.3, NM_001288737.2, NM_001288738.2 and 2 more transcripts); short protein forms H396Y.
Identifiers: ClinVar variation 1312643 (VCV001312643.2), dbSNP rs1835103565, ClinGen allele CA375016678.

ClinVar aggregate classification (germline): Uncertain significance (1 of 4 stars; one submission).

Allele frequency attached by ClinVar (database versions not stated): gnomAD 0.00001; TOPMed 0.00001.
gnomAD v4.1: 1 of 1,613,968 alleles (0.000062%); highest among the groups gnomAD compares: African/African-American, 0.0013%; no homozygotes.

Submission:

GeneDx
Classification: Uncertain significance. Last evaluated: 2020-02-11. Review status: criteria provided, single submitter. Criteria: GeneDx Variant Classification Process June 2021. Collection method: clinical testing. Allele origin: germline. Affected: yes.
Comment: Has not been previously published as pathogenic or benign to our knowledge; Not observed in large population cohorts (Lek et al., 2016); In silico analysis supports that this missense variant has a deleterious effect on protein structure/function; In-silico analysis, which includes splice predictors and evolutionary conservation, is inconclusive as to whether the variant alters gene splicing. In the absence of RNA/functional studies, the actual effect of this sequence change is unknown.